The following is an entry in ClinVar:

ClinVar aggregate classification (germline): other (0 of 4 stars; one submission).

Conditions:
Familial colorectal cancer. Identifiers: MedGen CN280943, MONDO:0023113. Disease mechanism: loss of function.

Submission:

Systems Biology Platform Zhejiang California International NanoSystems Institute
Classification: other for Familial colorectal cancer. Review status: no assertion criteria provided. Collection method: not provided. Allele origin: unknown.
ClinVar note: Converted during submission from cancer to other.

NM_000038.6(APC):c.135+4782G>C

Gene: APC (APC regulator of WNT signaling pathway; plus strand). Cytogenetic location: 5q22.2.
Variant type: single nucleotide variant.
Coding change: c.135+4782G>C on transcript NM_000038.6 (MANE Select); 4782 bases into the intron after coding-DNA position 135, G replaced by C.
Molecular consequence: intron variant.
Genome position (GRCh38, 1-based): chr5:112,759,807, G>C. VCF-style: chr5-112759807-G-C. GRCh37 (hg19) VCF-style: chr5-112095504-G-C.
Other names: c.135+4782G>C (NM_001354895.2, NM_001127510.3, NM_001354896.2 and 2 more transcripts); c.166-6519G>C (NM_001354897.2, NM_001354902.2, NM_001127511.3); c.61-6519G>C (NM_001354898.2, NM_001354904.2); c.-901+4782G>C (NM_001354906.2); c.-42-6519G>C (NM_001354900.2, NM_001354901.2, NM_001354905.2).
Identifiers: ClinVar variation 82835 (VCV000082835.2), dbSNP rs77280974, ClinGen allele CA004416.
Genomic context (GRCh38, chr5:112,759,807, plus strand): 5'-TCCAGAATTTTAAAATACAAATGAATATTCTCTCCTTCAAAATTACATATGTATTTAAAA[G>C]CTGCCACTTCTCAAAGAACTTTTTGAAACATTTTTTTTTGGAACTGCTTTGCAATTGTAT-3'